The following is an entry in ClinVar:

ClinVar aggregate classification (germline): Uncertain significance (1 of 4 stars; one submission).

Conditions:
Arrhythmogenic right ventricular dysplasia 11. Also called: Arrhythmogenic Right Ventricular Dysplasia/Cardiomyopathy11; ARRHYTHMOGENIC RIGHT VENTRICULAR DYSPLASIA, FAMILIAL, 11; Arrhythmogenic right ventricular dysplasia 11 with mild palmoplantar keratoderma and woolly hair. Identifiers: MedGen C1864850, MONDO:0012506, OMIM 610476.

Allele frequency attached by ClinVar (database versions not stated): TOPMed below 0.00001; gnomAD 0.00001.
gnomAD v4.1: 1 of 1,614,012 alleles (0.000062%); highest among the groups gnomAD compares: Non-Finnish European, 0.000085%; no homozygotes.

Submission:

Labcorp Genetics (formerly Invitae), Labcorp
Classification: Uncertain significance for Arrhythmogenic right ventricular dysplasia 11. Last evaluated: 2022-01-02. Review status: criteria provided, single submitter. Criteria: Invitae Variant Classification Sherloc (09022015). Collection method: clinical testing. Allele origin: germline.
Comment: In summary, the available evidence is currently insufficient to determine the role of this variant in disease. Therefore, it has been classified as a Variant of Uncertain Significance. Algorithms developed to predict the effect of missense changes on protein structure and function output the following: SIFT: "Tolerated"; PolyPhen-2: "Benign"; Align-GVGD: "Class C0". The alanine amino acid residue is found in multiple mammalian species, which suggests that this missense change does not adversely affect protein function. This variant has not been reported in the literature in individuals affected with DSC2-related conditions. This variant is not present in population databases (gnomAD no frequency). This sequence change replaces threonine, which is neutral and polar, with alanine, which is neutral and non-polar, at codon 678 of the DSC2 protein (p.Thr678Ala).

NM_024422.6(DSC2):c.2032A>G (p.Thr678Ala)

Gene: DSC2 (desmocollin 2; minus strand). Cytogenetic location: 18q12.1.
Variant type: single nucleotide variant.
Coding change: c.2032A>G on transcript NM_024422.6 (MANE Select); coding-DNA position 2032, A replaced by G.
Protein change: p.Thr678Ala; replaces threonine 678 with alanine.
Molecular consequence: missense variant.
Genome position (GRCh38, 1-based): chr18:31,071,698, T>C on the plus strand (A>G on the coding strand, the complement: DSC2 is on the minus strand). VCF-style: chr18-31071698-T-C. GRCh37 (hg19) VCF-style: chr18-28651664-T-C.
Other names: c.1603A>G, p.Thr535Ala (NM_001406506.1, NM_001406507.1); c.2032A>G, p.Thr678Ala (NM_004949.5); short protein forms T678A, T535A.
Identifiers: ClinVar variation 2071136 (VCV002071136.4), dbSNP rs1986837133, ClinGen allele CA402113053.